The following is an entry in ClinVar:

ClinVar aggregate classification (germline): Likely benign (1 of 4 stars; one submission).

Submission:

Mayo Clinic Laboratories, Mayo Clinic
Classification: Likely benign. Last evaluated: 2025-10-29. Review status: criteria provided, single submitter. Criteria: ACMG Guidelines, 2015. Collection method: clinical testing. Allele origin: germline. Observed: 1 variant allele.
Comment: BP4, BP7

NM_001365276.2(TNXB):c.12633+8G>T

Genes: TNXB (tenascin XB; minus strand), LOC106780803 (tenascin XB recombination region; plus strand). Cytogenetic location: 6p21.33.
Variant type: single nucleotide variant.
Coding change: c.12633+8G>T on transcript NM_001365276.2 (MANE Select); 8 bases into the intron after coding-DNA position 12633, G replaced by T.
Molecular consequence: intron variant.
Genome position (GRCh38, 1-based): chr6:32,041,763, C>A on the plus strand (G>T on the coding strand, the complement: TNXB is on the minus strand). VCF-style: chr6-32041763-C-A. GRCh37 (hg19) VCF-style: chr6-32009540-C-A.
Other names: p.?; c.12627+8G>T (NM_019105.8); c.13374+8G>T (NM_001428335.1); c.1920+8G>T (NM_032470.4).
Identifiers: ClinVar variation 4684924 (VCV004684924.1).